The following is an entry in ClinVar:

NM_203447.4(DOCK8):c.2657C>T (p.Thr886Ile)

Gene: DOCK8 (dedicator of cytokinesis 8; plus strand). Cytogenetic location: 9p24.3.
Variant type: single nucleotide variant.
Coding change: c.2657C>T on transcript NM_203447.4 (MANE Select); coding-DNA position 2657, C replaced by T.
Protein change: p.Thr886Ile; replaces threonine 886 with isoleucine.
Molecular consequence: missense variant.
Genome position (GRCh38, 1-based): chr9:382,564, C>T. VCF-style: chr9-382564-C-T. GRCh37 (hg19) VCF-style: chr9-382564-C-T.
Other names: c.2453C>T, p.Thr818Ile (NM_001190458.2, NM_001193536.2); short protein forms T886I, T818I.
Identifiers: ClinVar variation 939913 (VCV000939913.10), dbSNP rs2053765894, ClinGen allele CA372765232.

ClinVar aggregate classification (germline): Uncertain significance (1 of 4 stars; one submission).

Conditions:
Combined immunodeficiency due to DOCK8 deficiency (HIES2). Also called: HIES autosomal recessive; DOCK8 Deficiency; Hyper-IgE recurrent infection syndrome, autosomal recessive; HYPER-IgE RECURRENT INFECTION SYNDROME 2, AUTOSOMAL RECESSIVE; HYPER-IgE SYNDROME 2, AUTOSOMAL RECESSIVE, WITH RECURRENT INFECTIONS. Identifiers: Orphanet 217390, MedGen C4722305, MONDO:0009478, OMIM 243700.

Allele frequency attached by ClinVar (database versions not stated): gnomAD exomes 0.00001.
gnomAD v4.1: 5 of 1,614,146 alleles (0.00031%); highest among the groups gnomAD compares: Non-Finnish European, 0.00042%; no homozygotes.

Submission:

Labcorp Genetics (formerly Invitae), Labcorp
Classification: Uncertain significance for Combined immunodeficiency due to DOCK8 deficiency. Last evaluated: 2022-03-11. Review status: criteria provided, single submitter. Criteria: Invitae Variant Classification Sherloc (09022015). Collection method: clinical testing. Allele origin: germline.
Comment: This sequence change replaces threonine, which is neutral and polar, with isoleucine, which is neutral and non-polar, at codon 886 of the DOCK8 protein (p.Thr886Ile). In summary, the available evidence is currently insufficient to determine the role of this variant in disease. Therefore, it has been classified as a Variant of Uncertain Significance. Algorithms developed to predict the effect of missense changes on protein structure and function (SIFT, PolyPhen-2, Align-GVGD) all suggest that this variant is likely to be tolerated. ClinVar contains an entry for this variant (Variation ID: 939913). This variant has not been reported in the literature in individuals affected with DOCK8-related conditions. This variant is not present in population databases (gnomAD no frequency).